The following is an entry in ClinVar:

ClinVar aggregate classification (germline): Likely benign. Review status: criteria provided, single submitter (1 of 4 stars). 2 submissions from 2 submitters: Likely benign (1). 1 of the submissions does not count toward it. Last evaluated 2023-12-12.

Conditions:
NTRK2-related disorder. Also called: NTRK2-related condition.

Allele frequency attached by ClinVar (database versions not stated): gnomAD exomes below 0.00001; ExAC 0.00002; TOPMed 0.00003; gnomAD 0.00005; ESP Exome Variant Server 0.00008.
gnomAD v4.1: 10 of 1,614,050 alleles (0.00062%); highest among the groups gnomAD compares: African/African-American, 0.013%; no homozygotes.

Submissions (2):

Labcorp Genetics (formerly Invitae), Labcorp
Classification: Likely benign. Last evaluated: 2023-12-12. Review status: criteria provided, single submitter. Criteria: Invitae Variant Classification Sherloc (09022015). Collection method: clinical testing. Allele origin: germline.

PreventionGenetics, part of Exact Sciences
Classification: Likely benign for NTRK2-related condition. Last evaluated: 2020-10-19. Review status: no assertion criteria provided. Collection method: clinical testing. Allele origin: germline. Not counted in ClinVar's aggregate classification.
Comment: This variant is classified as likely benign based on ACMG/AMP sequence variant interpretation guidelines (Richards et al. 2015 PMID: 25741868, with internal and published modifications).

NM_006180.6(NTRK2):c.639T>C (p.Ser213=)

Gene: NTRK2 (neurotrophic receptor tyrosine kinase 2; plus strand). Cytogenetic location: 9q21.33.
Variant type: single nucleotide variant.
Coding change: c.639T>C on transcript NM_006180.6 (MANE Select); coding-DNA position 639, T replaced by C.
Protein change: p.Ser213=; no amino-acid change (serine 213 retained).
Molecular consequence: synonymous variant.
Genome position (GRCh38, 1-based): chr9:84,723,628, T>C. VCF-style: chr9-84723628-T-C. GRCh37 (hg19) VCF-style: chr9-87338543-T-C.
Other names: c.639T>C (NM_006180.4); c.639T>C, p.Ser213= (NM_001007097.3, NM_001018064.3, NM_001018065.2 and 19 more transcripts); c.171T>C, p.Ser57= (NM_001369535.1, NM_001369536.1, NM_001369550.1 and 2 more transcripts).
Identifiers: ClinVar variation 1926247 (VCV001926247.6), dbSNP rs201648873, ClinGen allele CA5105551.